The following is an entry in ClinVar:

ClinVar aggregate classification (germline): Uncertain significance (1 of 4 stars; one submission).

Conditions:
Joubert syndrome. Also called: CEREBELLOPARENCHYMAL DISORDER IV; JOUBERT-BOLTSHAUSER SYNDROME; Familial aplasia of the vermis. Identifiers: Orphanet 475, MedGen C5979921, MONDO:0018772.
Orofaciodigital syndrome I (OFD1). Also called: OFDS I; Papillon-Leage and Psaume Syndrome; Oral-Facial-Digital Syndrome Type I. Identifiers: Orphanet 2750, MedGen C1510460, MONDO:0010702, OMIM 311200.

Allele frequency attached by ClinVar (database versions not stated): gnomAD exomes below 0.00001; ExAC 0.00001.
gnomAD v4.1: 2 of 1,185,753 alleles (0.00017%); highest among the groups gnomAD compares: Non-Finnish European, 0.00023%; no homozygotes.

Submission:

Labcorp Genetics (formerly Invitae), Labcorp
Classification: Uncertain significance for Orofaciodigital syndrome I; Joubert syndrome. Last evaluated: 2021-12-14. Review status: criteria provided, single submitter. Criteria: Invitae Variant Classification Sherloc (09022015). Collection method: clinical testing. Allele origin: germline.
Comment: In summary, the available evidence is currently insufficient to determine the role of this variant in disease. Therefore, it has been classified as a Variant of Uncertain Significance. Variants that disrupt the consensus splice site are a relatively common cause of aberrant splicing (PMID: 17576681, 9536098). Algorithms developed to predict the effect of sequence changes on RNA splicing suggest that this variant is not likely to affect RNA splicing. This variant has not been reported in the literature in individuals affected with OFD1-related conditions. This variant is present in population databases (rs760774784, gnomAD 0.002%). This sequence change falls in intron 22 of the OFD1 gene. It does not directly change the encoded amino acid sequence of the OFD1 protein. It affects a nucleotide within the consensus splice site.

Literature cited by the submitters: PubMed 17576681; PubMed 9536098.

NM_003611.3(OFD1):c.2996+5C>T

Gene: OFD1 (OFD1 centriole and centriolar satellite protein; plus strand). Cytogenetic location: Xp22.2.
Variant type: single nucleotide variant.
Coding change: c.2996+5C>T on transcript NM_003611.3 (MANE Select); 5 bases into the intron after coding-DNA position 2996, C replaced by T.
Molecular consequence: intron variant.
Genome position (GRCh38, 1-based): chrX:13,768,790, C>T. VCF-style: chrX-13768790-C-T. GRCh37 (hg19) VCF-style: chrX-13786909-C-T.
Other names: c.2576+5C>T (NM_001330210.2); c.2876+5C>T (NM_001330209.2).
Identifiers: ClinVar variation 1982618 (VCV001982618.4), dbSNP rs760774784, ClinGen allele CA10352130.